The following is an entry in ClinVar:

NM_025150.5(TARS2):c.263+8G>T

Gene: TARS2 (threonyl-tRNA synthetase 2, mitochondrial; plus strand). Cytogenetic location: 1q21.2.
Variant type: single nucleotide variant.
Coding change: c.263+8G>T on transcript NM_025150.5 (MANE Select); 8 bases into the intron after coding-DNA position 263, G replaced by T.
Molecular consequence: intron variant.
Genome position (GRCh38, 1-based): chr1:150,488,062, G>T. VCF-style: chr1-150488062-G-T. GRCh37 (hg19) VCF-style: chr1-150460538-G-T.
Other names: p.?; c.263+8G>T (NM_001271895.2, NM_001271896.2).
Identifiers: ClinVar variation 381862 (VCV000381862.12), dbSNP rs146092962, ClinGen allele CA1076613.
Genomic context (GRCh38, chr1:150,488,062, plus strand): 5'-ATTGATGCTGTGGCATGGAACACAACCCCCTACCAACTAGCCCGGCAGATCAGGTAACAG[G>T]CCCATCCTGTAACTACCAGGATTATCCTTCTGCCCCTTTACTTTCTCTTCACTTGAGCAG-3'

ClinVar aggregate classification (germline): Benign. Review status: criteria provided, multiple submitters, no conflicts (2 of 4 stars). 3 submissions from 3 submitters: Benign (3). Last evaluated 2025-12-19.

Allele frequency attached by ClinVar (database versions not stated): gnomAD 0.00453 and 0.00491; TOPMed 0.00488; 1000 Genomes Project 0.00499; ESP Exome Variant Server 0.00515; 1000 Genomes Project 30x 0.00531.
gnomAD v4.1: 1,468 of 1,613,216 alleles (0.091%); highest among the groups gnomAD compares: African/African-American, 1.7%; 9 homozygotes.

Submissions (3):

Labcorp Genetics (formerly Invitae), Labcorp
Classification: Benign. Last evaluated: 2025-12-19. Review status: criteria provided, single submitter. Criteria: Invitae Variant Classification Sherloc (09022015). Collection method: clinical testing. Allele origin: germline.

Mayo Clinic Laboratories, Mayo Clinic
Classification: Benign. Last evaluated: 2019-01-23. Review status: criteria provided, single submitter. Criteria: ACMG Guidelines, 2015. Collection method: clinical testing. Allele origin: germline. Observed: 6 variant alleles.

GeneDx
Classification: Benign. Last evaluated: 2017-11-28. Review status: criteria provided, single submitter. Criteria: GeneDx Variant Classification (06012015). Collection method: clinical testing. Allele origin: germline. Affected: yes.
Comment: This variant is considered likely benign or benign based on one or more of the following criteria: it is a conservative change, it occurs at a poorly conserved position in the protein, it is predicted to be benign by multiple in silico algorithms, and/or has population frequency not consistent with disease.